The following is an entry in ClinVar:

ClinVar aggregate classification (germline): Uncertain significance (1 of 4 stars; one submission).

Submission:

Labcorp Genetics (formerly Invitae), Labcorp
Classification: Uncertain significance. Last evaluated: 2022-08-10. Review status: criteria provided, single submitter. Criteria: Invitae Variant Classification Sherloc (09022015). Collection method: clinical testing. Allele origin: germline.
Comment: This sequence change replaces phenylalanine, which is neutral and non-polar, with leucine, which is neutral and non-polar, at codon 3145 of the SZT2 protein (p.Phe3145Leu). This variant is not present in population databases (gnomAD no frequency). This variant has not been reported in the literature in individuals affected with SZT2-related conditions. ClinVar contains an entry for this variant (Variation ID: 1423456). Algorithms developed to predict the effect of missense changes on protein structure and function are either unavailable or do not agree on the potential impact of this missense change (SIFT: "Deleterious"; PolyPhen-2: "Probably Damaging"; Align-GVGD: "Class C0"). In summary, the available evidence is currently insufficient to determine the role of this variant in disease. Therefore, it has been classified as a Variant of Uncertain Significance.

NM_001365999.1(SZT2):c.9604T>C (p.Phe3202Leu)

Genes: SZT2 (SZT2 subunit of KICSTOR complex; plus strand), SZT2-AS1 (SZT2 antisense RNA 1; minus strand). Cytogenetic location: 1p34.2.
Variant type: single nucleotide variant.
Coding change: c.9604T>C on transcript NM_001365999.1 (MANE Select); coding-DNA position 9604, T replaced by C.
Protein change: p.Phe3202Leu; replaces phenylalanine 3202 with leucine.
Molecular consequence: missense variant. On other transcripts: non-coding transcript variant (1).
Genome position (GRCh38, 1-based): chr1:43,448,119, T>C. VCF-style: chr1-43448119-T-C. GRCh37 (hg19) VCF-style: chr1-43913790-T-C.
Other names: c.9433T>C, p.Phe3145Leu (NM_015284.4); short protein forms F3202L, F3145L.
Identifiers: ClinVar variation 1423456 (VCV001423456.3), dbSNP rs2153936930, ClinGen allele CA340043822.